The following is an entry in ClinVar:

ClinVar aggregate classification (germline): Uncertain significance (1 of 4 stars; one submission).

Conditions:
Hereditary cancer-predisposing syndrome. Also called: Neoplastic Syndromes, Hereditary; Tumor predisposition; Hereditary Cancer Syndrome; Hereditary neoplastic syndrome. Identifiers: Orphanet 140162, MedGen C0027672, MeSH D009386, MONDO:0015356.

Submission:

Ambry Genetics
Classification: Uncertain significance for Hereditary cancer-predisposing syndrome. Last evaluated: 2025-09-22. Review status: criteria provided, single submitter. Criteria: Ambry Variant Classification Scheme 2023. Collection method: clinical testing. Allele origin: germline.
Comment: The p.K152N variant (also known as c.456A>C), located in coding exon 4 of the POT1 gene, results from an A to C substitution at nucleotide position 456. The lysine at codon 152 is replaced by asparagine, an amino acid with similar properties. This amino acid position is conserved. In addition, this alteration is predicted to be tolerated by in silico analysis. Based on the available evidence, the clinical significance of this variant remains unclear.

NM_015450.3(POT1):c.456A>C (p.Lys152Asn)

Gene: POT1 (protection of telomeres 1; minus strand). Cytogenetic location: 7q31.33.
Variant type: single nucleotide variant.
Coding change: c.456A>C on transcript NM_015450.3 (MANE Select); coding-DNA position 456, A replaced by C.
Protein change: p.Lys152Asn; replaces lysine 152 with asparagine.
Molecular consequence: missense variant. On other transcripts: non-coding transcript variant (3).
Genome position (GRCh38, 1-based): chr7:124,863,440, T>G on the plus strand (A>C on the coding strand, the complement: POT1 is on the minus strand). VCF-style: chr7-124863440-T-G. GRCh37 (hg19) VCF-style: chr7-124503494-T-G.
Other names: c.63A>C, p.Lys21Asn (NM_001042594.2); short protein forms K21N, K152N.
Identifiers: ClinVar variation 4673254 (VCV004673254.1).
Genomic context (GRCh38, chr7:124,863,440, plus strand): 5'-TGCTTTGCCCAAGAGCTGACAAGTCAGGTCAAAATACTGCATTGGCTGAACATCACACAA[T>G]TTTAGTAATGTCCAAGACGGTGACATATGAGTAGATGCCCAAACACGTAAGGCTTCTACC-3'
Protein context (NP_056265.2, residues 142-162): THMSPSWTLL[Lys152Asn]LCDVQPMQYF